The following is an entry in ClinVar:

NM_005211.4(CSF1R):c.-249G>A

Genes: CSF1R (colony stimulating factor 1 receptor; minus strand), LOC111188152 (CSF1R promoter E1; plus strand). Cytogenetic location: 5q32.
Variant type: single nucleotide variant.
Coding change: c.-249G>A on transcript NM_005211.4; 249 bases upstream of the start codon, G replaced by A.
Molecular consequence: 5 prime UTR variant. On other transcripts: non-coding transcript variant (1).
Genome position (GRCh38, 1-based): chr5:150,113,329, C>T on the plus strand (G>A on the coding strand, the complement: CSF1R is on the minus strand). VCF-style: chr5-150113329-C-T. GRCh37 (hg19) VCF-style: chr5-149492892-C-T.
Other names: c.-354G>A (NM_001375320.1); c.-464G>A (NM_001375321.1).
Identifiers: ClinVar variation 352187 (VCV000352187.7), dbSNP rs180988739, ClinGen allele CA10619723.

ClinVar aggregate classification (germline): Benign (1 of 4 stars; one submission).

Conditions:
Hereditary diffuse leukoencephalopathy with spheroids. Also called: LEUKOENCEPHALOPATHY, ADULT-ONSET, WITH AXONAL SPHEROIDS AND PIGMENTED GLIA. Identifiers: Orphanet 313808, MedGen C3711381, MONDO:0030796.

Allele frequency attached by ClinVar (database versions not stated): gnomAD exomes 0.00433; 1000 Genomes Project 0.00140; gnomAD 0.00234 and 0.00240; 1000 Genomes Project 30x 0.00141; TOPMed 0.00269.
gnomAD v4.1: 378 of 155,580 alleles (0.24%); highest among the groups gnomAD compares: Middle Eastern, 1.2%; 2 homozygotes.

Submission:

Illumina Laboratory Services, Illumina
Classification: Benign for Leukoencephalopathy, diffuse hereditary, with spheroids 1. Last evaluated: 2018-01-13. Review status: criteria provided, single submitter. Criteria: ICSL Variant Classification Criteria 13 December 2019. Collection method: clinical testing. Allele origin: germline.
Comment: This variant was observed in the ICSL laboratory as part of a predisposition screen in an ostensibly healthy population. It had not been previously curated by ICSL or reported in the Human Gene Mutation Database (HGMD: prior to June 1st, 2018), and was therefore a candidate for classification through an automated scoring system. Utilizing variant allele frequency, disease prevalence and penetrance estimates, and inheritance mode, an automated score was calculated to assess if this variant is too frequent to cause the disease. Based on the score and internal cut-off values, a variant classified as benign is not then subjected to further curation. The score for this variant resulted in a classification of benign for this disease.